The following is an entry in ClinVar:

NC_000010.11:g.92621385_92621387del

Gene: KIF11 (kinesin family member 11; plus strand). Cytogenetic location: 10q23.33.
Variant type: Deletion.
Genome position: GRCh38 VCF-style: chr10-92621382-TAGG-T. GRCh37 (hg19) VCF-style: chr10-94381139-TAGG-T.
Identifiers: ClinVar variation 1407229 (VCV001407229.7), dbSNP rs2135909793, ClinGen allele CA2573145820.
Genomic context (GRCh38, chr10:92,621,382, plus strand): 5'-TGTCCTTCCCAAACTGAATGAAAAAAGTACTAAACTGACACCTACAACATTCCTCTTGTG[TAGG>T]AGTATACGGAGGAGATAGAACGTTTAAAACGAGATCTTGCTGCAGCCCGTGAGAAAAATG-3'

ClinVar aggregate classification (germline): Uncertain significance. Review status: criteria provided, multiple submitters, no conflicts (2 of 4 stars). 2 submissions from 2 submitters: Uncertain significance (2). Last evaluated 2022-07-23.

Submissions (2):

Blueprint Genetics
Classification: Uncertain significance. Last evaluated: 2022-07-23. Review status: criteria provided, single submitter. Criteria: ACMG Guidelines, 2015. Collection method: clinical testing. Allele origin: germline.

Labcorp Genetics (formerly Invitae), Labcorp
Classification: Uncertain significance. Last evaluated: 2021-08-31. Review status: criteria provided, single submitter. Criteria: Invitae Variant Classification Sherloc (09022015). Collection method: clinical testing. Allele origin: germline.
Comment: In summary, the available evidence is currently insufficient to determine the role of this variant in disease. Therefore, it has been classified as a Variant of Uncertain Significance. Algorithms developed to predict the effect of sequence changes on RNA splicing suggest that this variant may disrupt the consensus splice site. Experimental studies and prediction algorithms are not available or were not evaluated, and the functional significance of this variant is currently unknown. This variant has been observed in individual(s) with clinical features of KIF11-related conditions (Invitae). It has also been observed to segregate with disease in related individuals. This variant is not present in population databases (ExAC no frequency). This variant, c.1129_1131del, results in the deletion of 1 amino acid(s) of the KIF11 protein (p.Glu377del), but otherwise preserves the integrity of the reading frame.